The following is an entry in ClinVar:

NM_017780.4(CHD7):c.5076A>G (p.Gly1692=)

Gene: CHD7 (chromodomain helicase DNA binding protein 7; plus strand). Cytogenetic location: 8q12.2.
Variant type: single nucleotide variant.
Coding change: c.5076A>G on transcript NM_017780.4 (MANE Select); coding-DNA position 5076, A replaced by G.
Protein change: p.Gly1692=; no amino-acid change (glycine 1692 retained).
Molecular consequence: synonymous variant. On other transcripts: intron variant (1).
Genome position (GRCh38, 1-based): chr8:60,845,275, A>G. VCF-style: chr8-60845275-A-G. GRCh37 (hg19) VCF-style: chr8-61757834-A-G.
Other names: c.1717-16954A>G (NM_001316690.1).
Identifiers: ClinVar variation 3030790 (VCV003030790.2), dbSNP rs2487974243, ClinGen allele CA461104609.

ClinVar aggregate classification (germline): Likely benign (0 of 4 stars; one submission).

Conditions:
CHD7-related disorder. Also called: CHD7-related condition.

Submission:

PreventionGenetics, part of Exact Sciences
Classification: Likely benign for CHD7-related condition. Last evaluated: 2023-03-20. Review status: no assertion criteria provided. Collection method: clinical testing. Allele origin: germline.
Comment: This variant is classified as likely benign based on ACMG/AMP sequence variant interpretation guidelines (Richards et al. 2015 PMID: 25741868, with internal and published modifications).